The following is an entry in ClinVar:

NM_005219.5(DIAPH1):c.1820C>T (p.Thr607Ile)

Gene: DIAPH1 (diaphanous related formin 1; minus strand). Cytogenetic location: 5q31.3.
Variant type: single nucleotide variant.
Coding change: c.1820C>T on transcript NM_005219.5 (MANE Select); coding-DNA position 1820, C replaced by T.
Protein change: p.Thr607Ile; replaces threonine 607 with isoleucine.
Molecular consequence: missense variant.
Genome position (GRCh38, 1-based): chr5:141,574,030, G>A on the plus strand (C>T on the coding strand, the complement: DIAPH1 is on the minus strand). VCF-style: chr5-141574030-G-A. GRCh37 (hg19) VCF-style: chr5-140953597-G-A.
Other names: c.1793C>T, p.Thr598Ile (NM_001079812.3); c.1820C>T, p.Thr607Ile (NM_001314007.2); short protein forms T598I, T607I.
Identifiers: ClinVar variation 1055228 (VCV001055228.13), dbSNP rs2099895593, ClinGen allele CA361520889.

ClinVar aggregate classification (germline): Uncertain significance. Review status: criteria provided, multiple submitters, no conflicts (2 of 4 stars). 2 submissions from 2 submitters: Uncertain significance (2). Last evaluated 2025-08-12.

Conditions:
Autosomal dominant nonsyndromic hearing loss 1. Also called: DEAFNESS, AUTOSOMAL DOMINANT 1, WITH OR WITHOUT THROMBOCYTOPENIA; KONIGSMARK SYNDROME. Identifiers: Orphanet 90635, MedGen C1852282, MONDO:0007424, OMIM 124900.
Progressive microcephaly-seizures-cortical blindness-developmental delay syndrome. Also called: Seizures, cortical blindness, and microcephaly syndrome. Identifiers: Orphanet 477814, MedGen C5567650, MONDO:0014714, OMIM 616632.

Allele frequency attached by ClinVar (database versions not stated): gnomAD exomes below 0.00001.

Submissions (2):

Labcorp Genetics (formerly Invitae), Labcorp
Classification: Uncertain significance for Progressive microcephaly-seizures-cortical blindness-developmental delay syndrome; Autosomal dominant nonsyndromic hearing loss 1. Last evaluated: 2025-08-12. Review status: criteria provided, single submitter. Criteria: Invitae Variant Classification Sherloc (09022015). Collection method: clinical testing. Allele origin: germline.
Comment: This sequence change replaces threonine, which is neutral and polar, with isoleucine, which is neutral and non-polar, at codon 607 of the DIAPH1 protein (p.Thr607Ile). This variant is not present in population databases (gnomAD no frequency). This variant has not been reported in the literature in individuals affected with DIAPH1-related conditions. ClinVar contains an entry for this variant (Variation ID: 1055228). An algorithm developed to predict the effect of missense changes on protein structure and function outputs the following: PolyPhen-2: "Not Available". The isoleucine amino acid residue is found in multiple mammalian species, which suggests that this missense change does not adversely affect protein function. In summary, the available evidence is currently insufficient to determine the role of this variant in disease. Therefore, it has been classified as a Variant of Uncertain Significance.

Blueprint Genetics
Classification: Uncertain significance. Last evaluated: 2024-05-29. Review status: criteria provided, single submitter. Criteria: ACMG Guidelines, 2015. Collection method: clinical testing. Allele origin: germline.